The following is an entry in ClinVar:

NM_001197104.2(KMT2A):c.7628A>G (p.Lys2543Arg)

Gene: KMT2A (lysine methyltransferase 2A; plus strand). Cytogenetic location: 11q23.3.
Variant type: single nucleotide variant.
Coding change: c.7628A>G on transcript NM_001197104.2 (MANE Select); coding-DNA position 7628, A replaced by G.
Protein change: p.Lys2543Arg; replaces lysine 2543 with arginine.
Molecular consequence: missense variant.
Genome position (GRCh38, 1-based): chr11:118,503,520, A>G. VCF-style: chr11-118503520-A-G. GRCh37 (hg19) VCF-style: chr11-118374235-A-G.
Other names: c.7718A>G, p.Lys2573Arg (NM_001412597.1); c.7619A>G, p.Lys2540Arg (NM_005933.4); short protein forms K2540R, K2573R, K2543R.
Identifiers: ClinVar variation 2132413 (VCV002132413.4), dbSNP rs2497000874, ClinGen allele CA382806254.

ClinVar aggregate classification (germline): Uncertain significance (1 of 4 stars; one submission).

Submission:

Labcorp Genetics (formerly Invitae), Labcorp
Classification: Uncertain significance. Last evaluated: 2022-10-10. Review status: criteria provided, single submitter. Criteria: Invitae Variant Classification Sherloc (09022015). Collection method: clinical testing. Allele origin: germline.
Comment: In summary, the available evidence is currently insufficient to determine the role of this variant in disease. Therefore, it has been classified as a Variant of Uncertain Significance. Advanced modeling of protein sequence and biophysical properties (such as structural, functional, and spatial information, amino acid conservation, physicochemical variation, residue mobility, and thermodynamic stability) performed at Invitae indicates that this missense variant is not expected to disrupt KMT2A protein function. This variant has not been reported in the literature in individuals affected with KMT2A-related conditions. This variant is not present in population databases (gnomAD no frequency). This sequence change replaces lysine, which is basic and polar, with arginine, which is basic and polar, at codon 2543 of the KMT2A protein (p.Lys2543Arg).